The following is an entry in ClinVar:

NM_001371596.2(MFSD8):c.652G>A (p.Ala218Thr)

Gene: MFSD8 (major facilitator superfamily domain containing 8; minus strand). Cytogenetic location: 4q28.2.
Variant type: single nucleotide variant.
Coding change: c.652G>A on transcript NM_001371596.2 (MANE Select); coding-DNA position 652, G replaced by A.
Protein change: p.Ala218Thr; replaces alanine 218 with threonine.
Molecular consequence: missense variant. On other transcripts: intron variant (5).
Genome position (GRCh38, 1-based): chr4:127,939,899, C>T on the plus strand (G>A on the coding strand, the complement: MFSD8 is on the minus strand). VCF-style: chr4-127939899-C-T. GRCh37 (hg19) VCF-style: chr4-128861054-C-T.
Other names: p.A218T:GCC>ACC; c.652G>A (NM_152778.3); c.517G>A, p.Ala173Thr (NM_001371590.2); c.652G>A, p.Ala218Thr (NM_001371591.2, NM_152778.4); c.658G>A, p.Ala220Thr (NM_001371592.2); c.538G>A, p.Ala180Thr (NM_001371593.2, NM_001410766.1); c.419-1063G>A (NM_001371595.1); c.304+3853G>A (NM_001410765.1); and 3 more; short protein forms A218T, A173T, A180T, A220T.
Identifiers: ClinVar variation 206152 (VCV000206152.12), dbSNP rs368614789, ClinGen allele CA315966.

ClinVar aggregate classification (germline): Uncertain significance. Review status: criteria provided, multiple submitters, no conflicts (2 of 4 stars). 5 submissions from 5 submitters: Uncertain significance (4). 1 of the submissions does not count toward it. Last evaluated 2025-04-21.

Conditions:
Neuronal ceroid lipofuscinosis 7 (CLN7). Also called: MFSD8-Related Neuronal Ceroid-Lipofuscinosis. Identifiers: Orphanet 168491, Orphanet 228366, MedGen C1838571, MONDO:0012588, OMIM 610951.
Inborn genetic diseases. Identifiers: MedGen C0950123, MeSH D030342.
Macular dystrophy with central cone involvement (CCMD). Identifiers: MedGen C4015371, MONDO:0014515, OMIM 616170.
Late-infantile neuronal ceroid lipofuscinosis. Also called: Jansky-Bielschowsky disease. Identifiers: MedGen C0022340, MONDO:0015674.

Allele frequency attached by ClinVar (database versions not stated): ExAC 0.00002; gnomAD exomes 0.00003; TOPMed 0.00004; ESP Exome Variant Server 0.00008.
gnomAD v4.1: 112 of 1,613,428 alleles (0.0069%); highest among the groups gnomAD compares: South Asian, 0.015%; 1 homozygote.

Submissions (5):

GeneDx
Classification: Uncertain significance. Last evaluated: 2025-04-21. Review status: criteria provided, single submitter. Criteria: GeneDx Variant Classification Process June 2021. Collection method: clinical testing. Allele origin: germline. Affected: yes.
Comment: In silico analysis indicates that this missense variant does not alter protein structure/function; Has not been previously published as pathogenic or benign to our knowledge

Ambry Genetics
Classification: Uncertain significance for Inborn genetic diseases. Last evaluated: 2023-05-09. Review status: criteria provided, single submitter. Criteria: Ambry Variant Classification Scheme 2023. Collection method: clinical testing. Allele origin: germline.

Labcorp Genetics (formerly Invitae), Labcorp
Classification: Uncertain significance for Neuronal ceroid lipofuscinosis 7. Last evaluated: 2022-07-11. Review status: criteria provided, single submitter. Criteria: Invitae Variant Classification Sherloc (09022015). Collection method: clinical testing. Allele origin: germline.
Comment: This sequence change replaces alanine, which is neutral and non-polar, with threonine, which is neutral and polar, at codon 218 of the MFSD8 protein (p.Ala218Thr). This variant is present in population databases (rs368614789, gnomAD 0.02%). This variant has not been reported in the literature in individuals affected with MFSD8-related conditions. ClinVar contains an entry for this variant (Variation ID: 206152). Algorithms developed to predict the effect of missense changes on protein structure and function are either unavailable or do not agree on the potential impact of this missense change (SIFT: "Tolerated"; PolyPhen-2: "Possibly Damaging"; Align-GVGD: "Class C0"). In summary, the available evidence is currently insufficient to determine the role of this variant in disease. Therefore, it has been classified as a Variant of Uncertain Significance.

Fulgent Genetics
Classification: Uncertain significance for Neuronal ceroid lipofuscinosis 7; Macular dystrophy with central cone involvement. Last evaluated: 2021-07-28. Review status: criteria provided, single submitter. Criteria: ACMG Guidelines, 2015. Collection method: clinical testing. Allele origin: unknown.

Natera, Inc.
Classification: Uncertain significance for Late-infantile neuronal ceroid lipofuscinosis. Last evaluated: 2019-11-11. Review status: no assertion criteria provided. Collection method: clinical testing. Allele origin: germline. Not counted in ClinVar's aggregate classification.